The following is an entry in ClinVar:

ClinVar aggregate classification (germline): Benign. Review status: criteria provided, multiple submitters, no conflicts (2 of 4 stars). 3 submissions from 3 submitters: Benign (3). Last evaluated 2021-07-27.

Conditions:
Epidermolysis bullosa, junctional 6, with pyloric atresia. Also called: ITGA6-Related Epidermolysis Bullosa with Pyloric Atresia. Identifiers: MedGen C5676957, MONDO:0859233, OMIM 619817.
Junctional epidermolysis bullosa with pyloric atresia. Also called: EPIDERMOLYSIS BULLOSA, JUNCTIONAL 5B, WITH PYLORIC ATRESIA; EB-PA-ACC; Epidermolysis bullosa, junctional, with pyloric atresia and aplasia cutis congenita; Epidermolysis bullosa junctionalis with pyloric atresia; ITGB4-Related Epidermolysis Bullosa with Pyloric Atresia; Junctional Epidermolysis Bullosa- Pyloric Atresia Syndrome. Identifiers: Orphanet 79403, MedGen C5676875, MONDO:0009183, OMIM 226730.

Allele frequency attached by ClinVar (database versions not stated): gnomAD exomes 0.00057 and 0.00118; ExAC 0.00303; gnomAD 0.00480 and 0.00509; ESP Exome Variant Server 0.00511; TOPMed 0.00560; 1000 Genomes Project 0.00679; 1000 Genomes Project 30x 0.00796.

Submissions (3):

Fulgent Genetics
Classification: Benign for Epidermolysis bullosa, junctional 6, with pyloric atresia. Last evaluated: 2021-07-27. Review status: criteria provided, single submitter. Criteria: ACMG Guidelines, 2015. Collection method: clinical testing. Allele origin: unknown.

Illumina Laboratory Services, Illumina
Classification: Benign for Junctional epidermolysis bullosa with pyloric atresia. Last evaluated: 2018-01-12. Review status: criteria provided, single submitter. Criteria: ICSL Variant Classification Criteria 13 December 2019. Collection method: clinical testing. Allele origin: germline.
Comment: This variant was observed in the ICSL laboratory as part of a predisposition screen in an ostensibly healthy population. It had not been previously curated by ICSL or reported in the Human Gene Mutation Database (HGMD: prior to June 1st, 2018), and was therefore a candidate for classification through an automated scoring system. Utilizing variant allele frequency, disease prevalence and penetrance estimates, and inheritance mode, an automated score was calculated to assess if this variant is too frequent to cause the disease. Based on the score and internal cut-off values, a variant classified as benign is not then subjected to further curation. The score for this variant resulted in a classification of benign for this disease.

Breakthrough Genomics
Classification: Benign. Review status: criteria provided, single submitter. Criteria: ACMG Guidelines, 2015. Collection method: not provided. Allele origin: germline. Inheritance: Autosomal recessive inheritance. Affected: yes.

NM_000210.4(ITGA6):c.*58T>C

Genes: ITGA6 (integrin subunit alpha 6; plus strand), PDK1-AS1 (PDK1 and ITGA6 antisense RNA 1; minus strand). Cytogenetic location: 2q31.1.
Variant type: single nucleotide variant.
Coding change: c.*58T>C on transcript NM_000210.4 (MANE Select); 58 bases downstream of the stop codon, T replaced by C.
Molecular consequence: 3 prime UTR variant. On other transcripts: synonymous variant (2).
Genome position (GRCh38, 1-based): chr2:172,504,126, T>C. VCF-style: chr2-172504126-T-C. GRCh37 (hg19) VCF-style: chr2-173368854-T-C.
Other names: c.3150T>C, p.Ser1050= (NM_001079818.3); c.*58T>C (NM_001316306.2, NM_001365530.2); c.3105T>C, p.Ser1035= (NM_001365529.2).
Identifiers: ClinVar variation 894229 (VCV000894229.6), dbSNP rs150113724, ClinGen allele CA1968647.